The following is an entry in ClinVar:

ClinVar aggregate classification (germline): Likely benign (1 of 4 stars; one submission).

Submission:

CeGaT Center for Human Genetics Tuebingen
Classification: Likely benign. Last evaluated: 2026-01-01. Review status: criteria provided, single submitter. Criteria: CeGaT Center For Human Genetics Tuebingen Variant Classification Criteria Version 2. Collection method: clinical testing. Allele origin: germline. Affected: yes. Observed: 1 variant allele.
Comment: FAM13A: BP4, BP7

NM_014883.4(FAM13A):c.781C>T (p.Leu261=)

Gene: FAM13A (family with sequence similarity 13 member A; minus strand). Cytogenetic location: 4q22.1.
Variant type: single nucleotide variant.
Coding change: c.781C>T on transcript NM_014883.4 (MANE Select); coding-DNA position 781, C replaced by T.
Protein change: p.Leu261=; no amino-acid change (leucine 261 retained).
Molecular consequence: synonymous variant.
Genome position (GRCh38, 1-based): chr4:88,906,441, G>A on the plus strand (C>T on the coding strand, the complement: FAM13A is on the minus strand). VCF-style: chr4-88906441-G-A. GRCh37 (hg19) VCF-style: chr4-89827592-G-A.
Identifiers: ClinVar variation 4820996 (VCV004820996.4).